The following is an entry in ClinVar:

NM_001363118.2(SLC52A2):c.1066C>T (p.Leu356=)

Gene: SLC52A2 (solute carrier family 52 member 2; plus strand). Cytogenetic location: 8q24.3.
Variant type: single nucleotide variant.
Coding change: c.1066C>T on transcript NM_001363118.2 (MANE Select); coding-DNA position 1066, C replaced by T.
Protein change: p.Leu356=; no amino-acid change (leucine 356 retained).
Molecular consequence: synonymous variant. On other transcripts: non-coding transcript variant (1).
Genome position (GRCh38, 1-based): chr8:144,360,654, C>T. VCF-style: chr8-144360654-C-T. GRCh37 (hg19) VCF-style: chr8-145584314-C-T.
Other names: c.1066C>T, p.Leu356= (NM_001253815.2, NM_001253816.2, NM_001363120.2 and 2 more transcripts); c.574C>T, p.Leu192= (NM_001363122.2); c.1066C>T (NM_001253816.1).
Identifiers: ClinVar variation 540441 (VCV000540441.22), dbSNP rs138107380, ClinGen allele CA4938367.

ClinVar aggregate classification (germline): Benign/Likely benign. Review status: criteria provided, multiple submitters, no conflicts (2 of 4 stars). 5 submissions from 5 submitters: Benign (1); Likely benign (4). Last evaluated 2026-01-28.

Conditions:
Inborn genetic diseases. Identifiers: MedGen C0950123, MeSH D030342.
Brown-Vialetto-van Laere syndrome 2. Also called: Riboflavin transporter deficiency type 2; SPINOCEREBELLAR ATAXIA WITH BLINDNESS AND DEAFNESS 2. Identifiers: Orphanet 572543, Orphanet 97229, MedGen C3553538, MONDO:0013867, OMIM 614707.
SLC52A2-related disorder. Also called: SLC52A2-related condition.

Allele frequency attached by ClinVar (database versions not stated): TOPMed 0.00080; gnomAD exomes 0.00007 and 0.00019; 1000 Genomes Project 0.00020; gnomAD 0.00072 and 0.00078; ESP Exome Variant Server 0.00108; 1000 Genomes Project 30x 0.00016; ExAC 0.00026.
gnomAD v4.1: 215 of 1,604,604 alleles (0.013%); highest among the groups gnomAD compares: African/African-American, 0.25%; 1 homozygote.

Submissions (5):

Labcorp Genetics (formerly Invitae), Labcorp
Classification: Benign for Brown-Vialetto-van Laere syndrome 2. Last evaluated: 2026-01-28. Review status: criteria provided, single submitter. Criteria: Invitae Variant Classification Sherloc (09022015). Collection method: clinical testing. Allele origin: germline.

PreventionGenetics, part of Exact Sciences
Classification: Likely benign for SLC52A2-related condition. Last evaluated: 2025-01-11. Review status: criteria provided, single submitter. Criteria: ACMG Guidelines, 2015. Collection method: clinical testing. Allele origin: germline.
Comment: This variant is classified as likely benign based on ACMG/AMP sequence variant interpretation guidelines (Richards et al. 2015 PMID: 25741868, with internal and published modifications).

Blueprint Genetics
Classification: Likely benign. Last evaluated: 2024-04-03. Review status: criteria provided, single submitter. Criteria: ACMG Guidelines, 2015. Collection method: clinical testing. Allele origin: germline.

Ambry Genetics
Classification: Likely benign for Inborn genetic diseases. Last evaluated: 2019-07-11. Review status: criteria provided, single submitter. Criteria: Ambry Variant Classification Scheme 2023. Collection method: clinical testing. Allele origin: germline.

Laboratory for Molecular Medicine, Mass General Brigham Personalized Medicine
Classification: Likely benign. Last evaluated: 2017-08-23. Review status: criteria provided, single submitter. Criteria: LMM Criteria. Collection method: clinical testing. Allele origin: germline. Observed: 1 variant allele.
Comment: p.Leu356Leu in exon 4 of SLC52A2: This variant is not expected to have clinical significance because it does not alter an amino acid residue and is not located within the splice consensus sequence. It has been identified in 0.28% (28/10102) of African chromosomes by the Exome Aggregation Consortium (ExAC; dbSNP rs138107380).